The following is an entry in ClinVar:

ClinVar aggregate classification (germline): Pathogenic (1 of 4 stars; one submission).

Submission:

Labcorp Genetics (formerly Invitae), Labcorp
Classification: Pathogenic. Last evaluated: 2024-05-15. Review status: criteria provided, single submitter. Criteria: Invitae Variant Classification Sherloc (09022015). Collection method: clinical testing. Allele origin: germline.
Comment: This sequence change creates a premature translational stop signal (p.Gly207Valfs*30) in the ECHS1 gene. It is expected to result in an absent or disrupted protein product. Loss-of-function variants in ECHS1 are known to be pathogenic (PMID: 25393721, 26000322, 27090768). This variant is present in population databases (rs755572793, gnomAD 0.006%). This variant has not been reported in the literature in individuals affected with ECHS1-related conditions. This variant is also known as c.619+1del. ClinVar contains an entry for this variant (Variation ID: 2032860). Algorithms developed to predict the effect of sequence changes on RNA splicing suggest that this variant may disrupt the consensus splice site. For these reasons, this variant has been classified as Pathogenic.

Literature cited by the submitters: PubMed 25393721; PubMed 26000322; PubMed 27090768.

NM_004092.4(ECHS1):c.619+1del

Gene: ECHS1 (enoyl-CoA hydratase, short chain 1; minus strand). Cytogenetic location: 10q26.3.
Variant type: Deletion.
Coding change: c.619+1del on transcript NM_004092.4 (MANE Select); the canonical splice donor site of the intron after coding-DNA position 619, one base deleted (G; older notation c.619+1delG).
Molecular consequence: splice donor variant.
Genome position (GRCh38, 1-based): chr10:133,366,888, C deleted on the plus strand (G on the coding strand, the reverse complement: ECHS1 is on the minus strand); the first of 2 consecutive C bases (chr10:133,366,888-133,366,889); deleting either gives the same sequence. VCF-style (leftmost placement, unchanged base first): chr10-133366887-AC-A. GRCh37 (hg19) VCF-style: chr10-135180391-AC-A.
Identifiers: ClinVar variation 2032860 (VCV002032860.4), dbSNP rs755572793, ClinGen allele CA5765716.